The following is an entry in ClinVar:

NM_024422.6(DSC2):c.1892C>A (p.Thr631Lys)

Gene: DSC2 (desmocollin 2; minus strand). Cytogenetic location: 18q12.1.
Variant type: single nucleotide variant.
Coding change: c.1892C>A on transcript NM_024422.6 (MANE Select); coding-DNA position 1892, C replaced by A.
Protein change: p.Thr631Lys; replaces threonine 631 with lysine.
Molecular consequence: missense variant.
Genome position (GRCh38, 1-based): chr18:31,071,838, G>T on the plus strand (C>A on the coding strand, the complement: DSC2 is on the minus strand). VCF-style: chr18-31071838-G-T. GRCh37 (hg19) VCF-style: chr18-28651804-G-T.
Other names: c.1463C>A, p.Thr488Lys (NM_001406507.1, NM_001406506.1); c.1892C>A, p.Thr631Lys (NM_004949.5); short protein forms T631K, T488K.
Identifiers: ClinVar variation 3009149 (VCV003009149.4), dbSNP rs542585921, ClinGen allele CA402113526.

ClinVar aggregate classification (germline): Uncertain significance. Review status: criteria provided, multiple submitters, no conflicts (2 of 4 stars). 2 submissions from 2 submitters: Uncertain significance (2). Last evaluated 2025-08-24.

Conditions:
Cardiomyopathy (CMYO). Also called: Cardiomyopathies. Identifiers: Orphanet 167848, MedGen C0878544, MONDO:0004994, HP:0001638. Inheritance: Various modes of inheritance.
Arrhythmogenic right ventricular dysplasia 11. Also called: ARRHYTHMOGENIC RIGHT VENTRICULAR DYSPLASIA, FAMILIAL, 11; Arrhythmogenic Right Ventricular Dysplasia/Cardiomyopathy11; Arrhythmogenic right ventricular dysplasia 11 with mild palmoplantar keratoderma and woolly hair. Identifiers: MedGen C1864850, MONDO:0012506, OMIM 610476.

Submissions (2):

Color Diagnostics, LLC DBA Color Health
Classification: Uncertain significance for Cardiomyopathy. Last evaluated: 2025-08-24. Review status: criteria provided, single submitter. Criteria: ACMG Guidelines, 2015. Collection method: clinical testing. Allele origin: germline.
Comment: This missense variant replaces threonine with lysine at codon 631 of the DSC2 protein. Computational prediction suggests that this variant may not impact protein structure and function. To our knowledge, functional studies have not been reported for this variant. This variant has not been reported in individuals affected with DSC2-related disorders in the literature. This variant has not been identified in the general population by the Genome Aggregation Database (gnomAD). The available evidence is insufficient to determine the role of this variant in disease conclusively. Therefore, this variant is classified as a Variant of Uncertain Significance.

Labcorp Genetics (formerly Invitae), Labcorp
Classification: Uncertain significance for Arrhythmogenic right ventricular dysplasia 11. Last evaluated: 2024-11-16. Review status: criteria provided, single submitter. Criteria: Invitae Variant Classification Sherloc (09022015). Collection method: clinical testing. Allele origin: germline.
Comment: This sequence change replaces threonine, which is neutral and polar, with lysine, which is basic and polar, at codon 631 of the DSC2 protein (p.Thr631Lys). This variant is not present in population databases (gnomAD no frequency). This variant has not been reported in the literature in individuals affected with DSC2-related conditions. ClinVar contains an entry for this variant (Variation ID: 3009149). Invitae Evidence Modeling of protein sequence and biophysical properties (such as structural, functional, and spatial information, amino acid conservation, physicochemical variation, residue mobility, and thermodynamic stability) indicates that this missense variant is not expected to disrupt DSC2 protein function with a negative predictive value of 80%. In summary, the available evidence is currently insufficient to determine the role of this variant in disease. Therefore, it has been classified as a Variant of Uncertain Significance.